The following is an entry in ClinVar:

ClinVar aggregate classification (germline): Pathogenic (1 of 4 stars; one submission).

Submission:

Labcorp Genetics (formerly Invitae), Labcorp
Classification: Pathogenic. Last evaluated: 2021-07-26. Review status: criteria provided, single submitter. Criteria: Invitae Variant Classification Sherloc (09022015). Collection method: clinical testing. Allele origin: germline.
Comment: For these reasons, this variant has been classified as Pathogenic. This variant has not been reported in the literature in individuals affected with ADGRV1-related conditions. This variant is not present in population databases (ExAC no frequency). This sequence change creates a premature translational stop signal (p.Arg2376Glnfs*20) in the ADGRV1 gene. It is expected to result in an absent or disrupted protein product. Loss-of-function variants in ADGRV1 are known to be pathogenic (PMID: 19357117, 22135276, 22147658, 26226137, 26667666, 30029497, 32467589).

Literature cited by the submitters: PubMed 19357117; PubMed 22135276; PubMed 22147658; PubMed 26226137; PubMed 26667666; PubMed 30029497; PubMed 32467589.

NM_032119.4(ADGRV1):c.7124dup (p.Arg2376fs)

Gene: ADGRV1 (adhesion G protein-coupled receptor V1; plus strand). Cytogenetic location: 5q14.3.
Variant type: Duplication.
Coding change: c.7124dup on transcript NM_032119.4 (MANE Select); coding-DNA position 7124, one base duplicated (T; older notation c.7124dupT).
Protein change: p.Arg2376fs; shifts the reading frame from arginine 2376.
Molecular consequence: frameshift variant. On other transcripts: non-coding transcript variant (1).
Genome position (GRCh38, 1-based): chr5:90,692,777, T duplicated. VCF-style (leftmost placement, unchanged base first): chr5-90692776-G-GT. GRCh37 (hg19) VCF-style: chr5-89988593-G-GT.
Other names: short protein forms R2376fs.
Identifiers: ClinVar variation 1384078 (VCV001384078.6), dbSNP rs2149632857, ClinGen allele CA2573140007.